The following is an entry in ClinVar:

NM_001863.5(COX6B1):c.228A>G (p.Gln76=)

Gene: COX6B1 (cytochrome c oxidase subunit 6B1; plus strand). Cytogenetic location: 19q13.12.
Variant type: single nucleotide variant.
Coding change: c.228A>G on transcript NM_001863.5 (MANE Select); coding-DNA position 228, A replaced by G.
Protein change: p.Gln76=; no amino-acid change (glutamine 76 retained).
Molecular consequence: synonymous variant.
Genome position (GRCh38, 1-based): chr19:35,658,614, A>G. VCF-style: chr19-35658614-A-G. GRCh37 (hg19) VCF-style: chr19-36149516-A-G.
Other names: p.Q76Q:CAA>CAG; p.Gln76=; c.228A>G, p.Gln76= (LRG_1246t1).
Identifiers: ClinVar variation 137021 (VCV000137021.16), dbSNP rs116118827, ClinGen allele CA290499.

ClinVar aggregate classification (germline): Conflicting classifications of pathogenicity. Review status: criteria provided, conflicting classifications (1 of 4 stars). 4 submissions from 4 submitters: Uncertain significance (1); Benign (3). Last evaluated 2026-02-04.

Conditions:
Mitochondrial complex IV deficiency, nuclear type 1 (MC4DN1). Also called: Mitochondrial complex IV deficiency; Complex 4 mitochondrial respiratory chain deficiency; Deficiency of mitochondrial respiratory chain complex4; Complex IV deficiency; COX DEFICIENCY. Identifiers: MedGen C5435656, MONDO:0700250, OMIM 220110. Disease mechanism: loss of function.

Allele frequency attached by ClinVar (database versions not stated): gnomAD exomes 0.00056 and 0.00177; ExAC 0.00213; gnomAD 0.00622 and 0.00672; 1000 Genomes Project 0.00639; 1000 Genomes Project 30x 0.00687; TOPMed 0.00760; ESP Exome Variant Server 0.00900.
gnomAD v4.1: 1,793 of 1,614,078 alleles (0.11%); highest among the groups gnomAD compares: African/African-American, 2.1%; 8 homozygotes.

Submissions (4):

Labcorp Genetics (formerly Invitae), Labcorp
Classification: Benign. Last evaluated: 2026-02-04. Review status: criteria provided, single submitter. Criteria: Invitae Variant Classification Sherloc (09022015). Collection method: clinical testing. Allele origin: germline.

Mayo Clinic Laboratories, Mayo Clinic
Classification: Benign. Last evaluated: 2019-04-26. Review status: criteria provided, single submitter. Criteria: ACMG Guidelines, 2015. Collection method: clinical testing. Allele origin: germline. Observed: 7 variant alleles.

Illumina Laboratory Services, Illumina
Classification: Uncertain significance for Mitochondrial complex IV deficiency, nuclear type 1. Last evaluated: 2017-04-27. Review status: criteria provided, single submitter. Criteria: ICSL Variant Classification Criteria 13 December 2019. Collection method: clinical testing. Allele origin: germline.

GeneDx
Classification: Benign. Last evaluated: 2014-02-03. Review status: criteria provided, single submitter. Criteria: GeneDx Variant Classification (06012015). Collection method: clinical testing. Allele origin: germline. Affected: yes.
Comment: This variant is considered likely benign or benign based on one or more of the following criteria: it is a conservative change, it occurs at a poorly conserved position in the protein, it is predicted to be benign by multiple in silico algorithms, and/or has population frequency not consistent with disease.